The following is an entry in ClinVar:

ClinVar aggregate classification (germline): Uncertain significance (1 of 4 stars; one submission).

Submission:

Labcorp Genetics (formerly Invitae), Labcorp
Classification: Uncertain significance. Last evaluated: 2025-07-16. Review status: criteria provided, single submitter. Criteria: Invitae Variant Classification Sherloc (09022015). Collection method: clinical testing. Allele origin: germline.
Comment: This sequence change replaces proline, which is neutral and non-polar, with leucine, which is neutral and non-polar, at codon 39 of the MRPS22 protein (p.Pro39Leu). This variant is present in population databases (rs754536352, gnomAD 0.0009%). This variant has not been reported in the literature in individuals affected with MRPS22-related conditions. An algorithm developed to predict the effect of missense changes on protein structure and function outputs the following: PolyPhen-2: "Benign". The leucine amino acid residue is found in multiple mammalian species, which suggests that this missense change does not adversely affect protein function. In summary, the available evidence is currently insufficient to determine the role of this variant in disease. Therefore, it has been classified as a Variant of Uncertain Significance.

NM_020191.4(MRPS22):c.116C>T (p.Pro39Leu)

Genes: MRPS22 (mitochondrial ribosomal protein S22; plus strand), LOC112903839 (Sharpr-MPRA regulatory region 3993; plus strand). Cytogenetic location: 3q23.
Variant type: single nucleotide variant.
Coding change: c.116C>T on transcript NM_020191.4 (MANE Select); coding-DNA position 116, C replaced by T.
Protein change: p.Pro39Leu; replaces proline 39 with leucine.
Molecular consequence: missense variant.
Genome position (GRCh38, 1-based): chr3:139,344,142, C>T. VCF-style: chr3-139344142-C-T. GRCh37 (hg19) VCF-style: chr3-139062984-C-T.
Other names: c.116C>T, p.Pro39Leu (NM_001363893.1); short protein forms P39L.
Identifiers: ClinVar variation 4778289 (VCV004778289.1).